The following is an entry in ClinVar:

NM_018714.3(COG1):c.2362T>C (p.Ser788Pro)

Gene: COG1 (component of oligomeric golgi complex 1; plus strand). Cytogenetic location: 17q25.1.
Variant type: single nucleotide variant.
Coding change: c.2362T>C on transcript NM_018714.3 (MANE Select); coding-DNA position 2362, T replaced by C.
Protein change: p.Ser788Pro; replaces serine 788 with proline.
Molecular consequence: missense variant.
Genome position (GRCh38, 1-based): chr17:73,203,773, T>C. VCF-style: chr17-73203773-T-C. GRCh37 (hg19) VCF-style: chr17-71199912-T-C.
Other names: c.2362T>C (NM_018714.2); short protein forms S788P.
Identifiers: ClinVar variation 1373644 (VCV001373644.9), dbSNP rs546366531, ClinGen allele CA8740432.

ClinVar aggregate classification (germline): Uncertain significance. Review status: criteria provided, multiple submitters, no conflicts (2 of 4 stars). 2 submissions from 2 submitters: Uncertain significance (2). Last evaluated 2024-12-28.

Conditions:
Inborn genetic diseases. Identifiers: MedGen C0950123, MeSH D030342.
COG1 congenital disorder of glycosylation (CDG2G). Also called: CONGENITAL DISORDER OF GLYCOSYLATION, TYPE IIg; CDG IIg; CDGII/COG1 CEREBROCOSTOMANDIBULAR-LIKE SYNDROME. Identifiers: Orphanet 263508, MedGen C2931011, MONDO:0012637, OMIM 611209.

Allele frequency attached by ClinVar (database versions not stated): TOPMed 0.00001; gnomAD 0.00004; gnomAD exomes 0.00008 and 0.00016; 1000 Genomes Project 0.00020; ExAC 0.00021; 1000 Genomes Project 30x 0.00031.
gnomAD v4.1: 124 of 1,614,166 alleles (0.0077%); highest among the groups gnomAD compares: South Asian, 0.12%; 2 homozygotes.

Submissions (2):

Ambry Genetics
Classification: Uncertain significance for Inborn genetic diseases. Last evaluated: 2024-12-28. Review status: criteria provided, single submitter. Criteria: Ambry Variant Classification Scheme 2023. Collection method: clinical testing. Allele origin: germline.

Labcorp Genetics (formerly Invitae), Labcorp
Classification: Uncertain significance for COG1 congenital disorder of glycosylation. Last evaluated: 2022-08-23. Review status: criteria provided, single submitter. Criteria: Invitae Variant Classification Sherloc (09022015). Collection method: clinical testing. Allele origin: germline.
Comment: In summary, the available evidence is currently insufficient to determine the role of this variant in disease. Therefore, it has been classified as a Variant of Uncertain Significance. Algorithms developed to predict the effect of missense changes on protein structure and function output the following: SIFT: "Tolerated"; PolyPhen-2: "Benign"; Align-GVGD: "Class C0". The proline amino acid residue is found in multiple mammalian species, which suggests that this missense change does not adversely affect protein function. ClinVar contains an entry for this variant (Variation ID: 1373644). This variant has not been reported in the literature in individuals affected with COG1-related conditions. This variant is present in population databases (rs546366531, gnomAD 0.1%). This sequence change replaces serine, which is neutral and polar, with proline, which is neutral and non-polar, at codon 788 of the COG1 protein (p.Ser788Pro).